The following is an entry in ClinVar:

NM_206937.2(LIG4):c.1102G>T (p.Asp368Tyr)

Gene: LIG4 (DNA ligase 4; minus strand). Cytogenetic location: 13q33.3.
Variant type: single nucleotide variant.
Coding change: c.1102G>T on transcript NM_206937.2 (MANE Select); coding-DNA position 1102, G replaced by T.
Protein change: p.Asp368Tyr; replaces aspartic acid 368 with tyrosine.
Molecular consequence: missense variant.
Genome position (GRCh38, 1-based): chr13:108,210,167, C>A on the plus strand (G>T on the coding strand, the complement: LIG4 is on the minus strand). VCF-style: chr13-108210167-C-A. GRCh37 (hg19) VCF-style: chr13-108862515-C-A.
Other names: c.1102G>T, p.Asp368Tyr (NM_001098268.2, NM_001352598.2, NM_001352599.2 and 6 more transcripts); c.901G>T, p.Asp301Tyr (NM_001330595.2); c.1138G>T, p.Asp380Tyr (NM_001352604.2); short protein forms D301Y, D368Y, D380Y.
Identifiers: ClinVar variation 4535755 (VCV004535755.1).
Genomic context (GRCh38, chr13:108,210,167, plus strand): 5'-TCTCATACCTCTTTCTCAGAGTCTCATGCCCTAGCTTTTTATTATTAACCATCAATACAT[C>A]AAAAACACAATAACAAGTTTGCAGATCAGAATCCTCTACCATTCTTTTAATATCAAACTT-3'
Protein context (NP_996820.1, residues 358-378): SDLQTCYCVF[Asp368Tyr]VLMVNNKKLG

ClinVar aggregate classification (germline): Uncertain significance (1 of 4 stars; one submission).

gnomAD v4.1: 1 of 1,613,776 alleles (0.000062%); highest among the groups gnomAD compares: South Asian, 0.0011%; no homozygotes.

Submission:

Women's Health and Genetics/Laboratory Corporation of America, LabCorp
Classification: Uncertain significance. Last evaluated: 2025-09-05. Review status: criteria provided, single submitter. Criteria: LabCorp Variant Classification Summary - May 2015. Collection method: clinical testing. Allele origin: germline.
Comment: Variant summary: LIG4 c.1102G>T (p.Asp368Tyr) results in a non-conservative amino acid change in the encoded protein sequence. Algorithms developed to predict the effect of missense changes on protein structure and function all suggest that this variant is likely to be disruptive. The variant was absent in 250744 control chromosomes. c.1102G>T has been observed in a homozygous individual affected with Severe Combined Immunodeficiency (Liao_2017, Jauch_2023). These data indicate that the variant may be associated with disease. To our knowledge, no experimental evidence demonstrating an impact on protein function has been reported. The following publications has been ascertained in the context of this evaluation (PMID: 37004747). No submitters have cited clinical-significance assessments for this variant to ClinVar. Based on the evidence outlined above, the variant was classified as VUS-possibly pathogenic.

Literature cited by the submitters: PubMed 37004747.